The following is an entry in ClinVar:

ClinVar aggregate classification (germline): Benign/Likely benign. Review status: criteria provided, multiple submitters, no conflicts (2 of 4 stars). 8 submissions from 8 submitters: Benign (3); Likely benign (5). Last evaluated 2026-01-31.

Conditions:
Kabuki syndrome. Also called: Kabuki make-up syndrome; NIIKAWA-KUROKI SYNDROME. Identifiers: Orphanet 2322, MedGen C0796004, MONDO:0016512.

Allele frequency attached by ClinVar (database versions not stated): 1000 Genomes Project 0.00040; gnomAD exomes 0.00046 and 0.00077; 1000 Genomes Project 30x 0.00047; gnomAD 0.00048 and 0.00052; ESP Exome Variant Server 0.00057; TOPMed 0.00063; ExAC 0.00064.
gnomAD v4.1: 793 of 1,613,856 alleles (0.049%); highest among the groups gnomAD compares: Middle Eastern, 0.53%; 3 homozygotes.

Submissions (8):

Labcorp Genetics (formerly Invitae), Labcorp
Classification: Benign for Kabuki syndrome. Last evaluated: 2026-01-31. Review status: criteria provided, single submitter. Criteria: Invitae Variant Classification Sherloc (09022015). Collection method: clinical testing. Allele origin: germline.

CeGaT Center for Human Genetics Tuebingen
Classification: Likely benign. Last evaluated: 2026-01-01. Review status: criteria provided, single submitter. Criteria: CeGaT Center For Human Genetics Tuebingen Variant Classification Criteria Version 2. Collection method: clinical testing. Allele origin: germline. Affected: yes. Observed: 13 variant alleles.
Comment: KMT2D: BP4, BP7

Blueprint Genetics
Classification: Likely benign. Last evaluated: 2024-10-28. Review status: criteria provided, single submitter. Criteria: ACMG Guidelines, 2015. Collection method: clinical testing. Allele origin: germline.

ARUP Laboratories, Molecular Genetics and Genomics, ARUP Laboratories
Classification: Benign. Last evaluated: 2023-09-14. Review status: criteria provided, single submitter. Criteria: ARUP Molecular Germline Variant Investigation Process 2024. Collection method: clinical testing. Allele origin: germline.

GeneDx
Classification: Benign. Last evaluated: 2020-03-09. Review status: criteria provided, single submitter. Criteria: GeneDx Variant Classification Process June 2021. Collection method: clinical testing. Allele origin: germline. Affected: yes.

Eurofins Ntd Llc (ga)
Classification: Likely benign. Last evaluated: 2015-06-04. Review status: criteria provided, single submitter. Criteria: EGL Classification Definitions 2015. Collection method: clinical testing. Allele origin: germline. Observed: 1 variant allele, 1 heterozygote.

Breakthrough Genomics
Classification: Likely benign. Review status: criteria provided, single submitter. Criteria: ACMG Guidelines, 2015. Collection method: not provided. Allele origin: germline. Inheritance: Autosomal dominant inheritance. Affected: yes.

PreventionGenetics, part of Exact Sciences
Classification: Likely benign. Review status: criteria provided, single submitter. Criteria: ACMG Guidelines, 2015. Collection method: clinical testing. Allele origin: germline.

NM_003482.4(KMT2D):c.16599G>A (p.Arg5533=)

Gene: KMT2D (lysine methyltransferase 2D; minus strand). Cytogenetic location: 12q13.12.
Variant type: single nucleotide variant.
Coding change: c.16599G>A on transcript NM_003482.4 (MANE Select); coding-DNA position 16599, G replaced by A.
Protein change: p.Arg5533=; no amino-acid change (arginine 5533 retained).
Molecular consequence: synonymous variant.
Genome position (GRCh38, 1-based): chr12:49,021,795, C>T on the plus strand (G>A on the coding strand, the complement: KMT2D is on the minus strand). VCF-style: chr12-49021795-C-T. GRCh37 (hg19) VCF-style: chr12-49415578-C-T.
Identifiers: ClinVar variation 197965 (VCV000197965.53), dbSNP rs199798179, ClinGen allele CA203169.
Genomic context (GRCh38, chr12:49,021,795, plus strand): 5'-GGTTGTGGGTAGGGGGACTCCCCTGCCTGGTAGCCTCAAAGCTTCTTAGTTCATCCATTT[C>T]CGACAATTCCAGGCTCCACAGTGGCAGGGGATCTTGTGCTGATCGTCCTCAAAATCAAAC-3'
Protein context (NP_003473.3, residues 5523-5537): IPCHCGAWNC[Arg5533=]KWMN